The following is an entry in ClinVar:

NM_000812.4(GABRB1):c.862A>G (p.Thr288Ala)

Gene: GABRB1 (gamma-aminobutyric acid type A receptor subunit beta1; plus strand). Cytogenetic location: 4p12.
Variant type: single nucleotide variant.
Coding change: c.862A>G on transcript NM_000812.4 (MANE Select); coding-DNA position 862, A replaced by G.
Protein change: p.Thr288Ala; replaces threonine 288 with alanine.
Molecular consequence: missense variant.
Genome position (GRCh38, 1-based): chr4:47,406,708, A>G. VCF-style: chr4-47406708-A-G. GRCh37 (hg19) VCF-style: chr4-47408725-A-G.
Other names: short protein forms T288A.
Identifiers: ClinVar variation 1720284 (VCV001720284.5), dbSNP rs2475468324, ClinGen allele CA356811263.

ClinVar aggregate classification (germline): Uncertain significance (1 of 4 stars; one submission).

Submission:

Labcorp Genetics (formerly Invitae), Labcorp
Classification: Uncertain significance. Last evaluated: 2022-09-24. Review status: criteria provided, single submitter. Criteria: Invitae Variant Classification Sherloc (09022015). Collection method: clinical testing. Allele origin: germline.
Comment: This sequence change replaces threonine, which is neutral and polar, with alanine, which is neutral and non-polar, at codon 288 of the GABRB1 protein (p.Thr288Ala). This variant is not present in population databases (gnomAD no frequency). This variant has not been reported in the literature in individuals affected with GABRB1-related conditions. Advanced modeling of protein sequence and biophysical properties (such as structural, functional, and spatial information, amino acid conservation, physicochemical variation, residue mobility, and thermodynamic stability) performed at Invitae indicates that this missense variant is not expected to disrupt GABRB1 protein function. In summary, the available evidence is currently insufficient to determine the role of this variant in disease. Therefore, it has been classified as a Variant of Uncertain Significance.